The following is an entry in ClinVar:

ClinVar aggregate classification (germline): Conflicting classifications of pathogenicity. Review status: criteria provided, conflicting classifications (1 of 4 stars). 2 submissions from 2 submitters: Likely pathogenic (1); Uncertain significance (1). Last evaluated 2026-09-11.

Conditions:
Odonto-onycho-dermal dysplasia. Identifiers: Orphanet 2721, MedGen C0796093, MONDO:0009773, OMIM 257980.
Tooth agenesis, selective, 4 (STHAG4). Also called: LATERAL INCISORS, ABSENCE OF; LATERAL INCISORS, PEGGED OR MISSING; SUCCEDANEOUS TEETH, AGENESIS OF; TOOTH AGENESIS, SELECTIVE, 4, WITH OR WITHOUT ECTODERMAL DYSPLASIA. Identifiers: Orphanet 99798, MedGen C1835492, MONDO:0007881, OMIM 150400. Disease mechanism: loss of function.
Ectodermal dysplasia. Also called: Ectodermal dysplasia syndrome. Identifiers: Orphanet 79373, MedGen C0013575, MONDO:0019287, HP:0000968.

Allele frequency attached by ClinVar (database versions not stated): gnomAD exomes below 0.00001.
gnomAD v4.1: 2 of 1,591,054 alleles (0.00013%); highest among the groups gnomAD compares: Admixed American, 0.0017%; no homozygotes.

Submissions (2):

Genetics Laboratory, Great Ormond Street Hospital NHS Foundation Trust, North Thames Genomic Laboratory Hub
Classification: Likely pathogenic for Ectodermal dysplasia. Last evaluated: 2026-09-11. Review status: criteria provided, single submitter. Criteria: ACGS Best Practice Guidelines for Variant Classification in Rare Disease 2024 v1.2. Collection method: clinical testing. Allele origin: germline. Affected: yes.
Comment: PM2_moderate, PP3_supporting, PM3_moderate, PP4_supporting

Labcorp Genetics (formerly Invitae), Labcorp
Classification: Uncertain significance for Tooth agenesis, selective, 4; Odonto-onycho-dermal dysplasia. Last evaluated: 2023-07-26. Review status: criteria provided, single submitter. Criteria: Invitae Variant Classification Sherloc (09022015). Collection method: clinical testing. Allele origin: germline.
Comment: In summary, the available evidence is currently insufficient to determine the role of this variant in disease. Therefore, it has been classified as a Variant of Uncertain Significance. Advanced modeling of protein sequence and biophysical properties (such as structural, functional, and spatial information, amino acid conservation, physicochemical variation, residue mobility, and thermodynamic stability) performed at Invitae indicates that this missense variant is expected to disrupt WNT10A protein function. This missense change has been observed in individual(s) with clinical features of odontoonychodermal dysplasia (Invitae). In at least one individual the data is consistent with being in trans (on the opposite chromosome) from a pathogenic variant. This variant is present in population databases (no rsID available, gnomAD 0.003%). This sequence change replaces cysteine, which is neutral and slightly polar, with serine, which is neutral and polar, at codon 376 of the WNT10A protein (p.Cys376Ser).

NM_025216.3(WNT10A):c.1127G>C (p.Cys376Ser)

Gene: WNT10A (Wnt family member 10A; plus strand). Cytogenetic location: 2q35.
Variant type: single nucleotide variant.
Coding change: c.1127G>C on transcript NM_025216.3 (MANE Select); coding-DNA position 1127, G replaced by C.
Protein change: p.Cys376Ser; replaces cysteine 376 with serine.
Molecular consequence: missense variant.
Genome position (GRCh38, 1-based): chr2:218,893,144, G>C. VCF-style: chr2-218893144-G-C. GRCh37 (hg19) VCF-style: chr2-219757866-G-C.
Other names: short protein forms C376S.
Identifiers: ClinVar variation 2954237 (VCV002954237.4), dbSNP rs1167077564, ClinGen allele CA350591778.